The following is an entry in ClinVar:

ClinVar aggregate classification (germline): Uncertain significance (1 of 4 stars; one submission).

Conditions:
Fanconi anemia (FA). Also called: Fanconi's anemia. Identifiers: Orphanet 84, MedGen C0015625, MeSH D005199, MONDO:0019391.

Allele frequency attached by ClinVar (database versions not stated): gnomAD exomes below 0.00001.

Submission:

Labcorp Genetics (formerly Invitae), Labcorp
Classification: Uncertain significance for Fanconi anemia. Last evaluated: 2021-11-01. Review status: criteria provided, single submitter. Criteria: Invitae Variant Classification Sherloc (09022015). Collection method: clinical testing. Allele origin: germline.
Comment: This sequence change replaces lysine, which is basic and polar, with arginine, which is basic and polar, at codon 1816 of the FANCM protein (p.Lys1816Arg). This variant is not present in population databases (gnomAD no frequency). This variant has not been reported in the literature in individuals affected with FANCM-related conditions. Algorithms developed to predict the effect of missense changes on protein structure and function output the following: SIFT: "Tolerated"; PolyPhen-2: "Benign"; Align-GVGD: "Class C0". The arginine amino acid residue is found in multiple mammalian species, which suggests that this missense change does not adversely affect protein function. In summary, the available evidence is currently insufficient to determine the role of this variant in disease. Therefore, it has been classified as a Variant of Uncertain Significance.

NM_020937.4(FANCM):c.5447A>G (p.Lys1816Arg)

Gene: FANCM (FA complementation group M; plus strand). Cytogenetic location: 14q21.2.
Variant type: single nucleotide variant.
Coding change: c.5447A>G on transcript NM_020937.4 (MANE Select); coding-DNA position 5447, A replaced by G.
Protein change: p.Lys1816Arg; replaces lysine 1816 with arginine.
Molecular consequence: missense variant.
Genome position (GRCh38, 1-based): chr14:45,196,278, A>G. VCF-style: chr14-45196278-A-G. GRCh37 (hg19) VCF-style: chr14-45665481-A-G.
Other names: c.5369A>G, p.Lys1790Arg (NM_001308133.2); short protein forms K1790R, K1816R.
Identifiers: ClinVar variation 1424004 (VCV001424004.6), dbSNP rs2139319399, ClinGen allele CA389585870.